The following is an entry in ClinVar:

ClinVar aggregate classification (germline): Likely pathogenic (1 of 4 stars; one submission).

Conditions:
KBG syndrome (KBGS). Also called: ANKRD11-Related KBG Syndrome. Identifiers: Orphanet 2332, MedGen C0220687, MONDO:0007846, OMIM 148050.

Submission:

3billion
Classification: Likely pathogenic for KBG syndrome. Last evaluated: 2025-12-04. Review status: criteria provided, single submitter. Criteria: ACMG Guidelines, 2015. Collection method: clinical testing. Allele origin: germline. Affected: yes.
Comment: The variant is not observed in the gnomAD v4.1.0 dataset. Predicted Consequence/Location: Stop-gained (nonsense): predicted to result in a loss or disruption of normal protein function through nonsense-mediated decay (NMD) or protein truncation. Multiple pathogenic variants are reported downstream of the variant. Therefore, this variant is classified as Likely pathogenic according to the recommendation of ACMG/AMP guideline.

NM_013275.6(ANKRD11):c.5225C>A (p.Ser1742Ter)

Gene: ANKRD11 (ankyrin repeat domain 11; minus strand). Cytogenetic location: 16q24.3.
Variant type: single nucleotide variant.
Coding change: c.5225C>A on transcript NM_013275.6 (MANE Select); coding-DNA position 5225, C replaced by A.
Protein change: p.Ser1742Ter; replaces serine 1742 with a stop codon.
Molecular consequence: nonsense.
Genome position (GRCh38, 1-based): chr16:89,281,317, G>T on the plus strand (C>A on the coding strand, the complement: ANKRD11 is on the minus strand). VCF-style: chr16-89281317-G-T. GRCh37 (hg19) VCF-style: chr16-89347725-G-T.
Other names: c.5225C>A, p.Ser1742Ter (NM_001256182.2, NM_001256183.2); short protein forms S1742*.
Identifiers: ClinVar variation 4856008 (VCV004856008.1).